The following is an entry in ClinVar:

NM_000264.5(PTCH1):c.2172G>C (p.Glu724Asp)

Genes: PTCH1 (patched 1; minus strand), LOC100507346 (uncharacterized LOC100507346; plus strand). Cytogenetic location: 9q22.32.
Variant type: single nucleotide variant.
Coding change: c.2172G>C on transcript NM_000264.5 (MANE Select); coding-DNA position 2172, G replaced by C.
Protein change: p.Glu724Asp; replaces glutamic acid 724 with aspartic acid.
Molecular consequence: missense variant. On other transcripts: non-coding transcript variant (2).
Genome position (GRCh38, 1-based): chr9:95,468,829, C>G on the plus strand (G>C on the coding strand, the complement: PTCH1 is on the minus strand). VCF-style: chr9-95468829-C-G. GRCh37 (hg19) VCF-style: chr9-98231111-C-G.
Other names: c.1974G>C, p.Glu658Asp (NM_001083602.3); c.2169G>C, p.Glu723Asp (NM_001083603.3); c.1719G>C, p.Glu573Asp (NM_001083604.3, NM_001083605.3, NM_001083606.3 and 1 more transcripts); c.2016G>C, p.Glu672Asp (NM_001354918.2); short protein forms E658D, E724D, E723D, E573D, E672D.
Identifiers: ClinVar variation 453817 (VCV000453817.14), dbSNP rs747274181, ClinGen allele CA5138441.

ClinVar aggregate classification (germline): Conflicting classifications of pathogenicity. Review status: criteria provided, conflicting classifications (1 of 4 stars). 4 submissions from 4 submitters: Uncertain significance (3); Likely benign (1). Last evaluated 2025-11-27.

Conditions:
Hereditary cancer-predisposing syndrome. Also called: Neoplastic Syndromes, Hereditary; Hereditary Cancer Syndrome; Hereditary neoplastic syndrome; Tumor predisposition. Identifiers: Orphanet 140162, MedGen C0027672, MeSH D009386, MONDO:0015356.
Basal cell carcinoma, susceptibility to, 1. Also called: BCC1. Identifiers: MedGen C2751544, MONDO:0011556, OMIM 605462.
Gorlin syndrome. Also called: Nevoid Basal Cell Carcinoma Syndrome; Basal cell nevus syndrome. Identifiers: Orphanet 377, MedGen C0004779, MONDO:0007187.

Allele frequency attached by ClinVar (database versions not stated): TOPMed below 0.00001; ExAC 0.00001; gnomAD exomes 0.00001.

Submissions (4):

Labcorp Genetics (formerly Invitae), Labcorp
Classification: Likely benign for Gorlin syndrome. Last evaluated: 2025-11-27. Review status: criteria provided, single submitter. Criteria: Invitae Variant Classification Sherloc (09022015). Collection method: clinical testing. Allele origin: germline.

Blueprint Genetics
Classification: Uncertain significance. Last evaluated: 2024-08-19. Review status: criteria provided, single submitter. Criteria: ACMG Guidelines, 2015. Collection method: clinical testing. Allele origin: germline.

Ambry Genetics
Classification: Uncertain significance for Hereditary cancer-predisposing syndrome. Last evaluated: 2024-05-04. Review status: criteria provided, single submitter. Criteria: Ambry Variant Classification Scheme 2023. Collection method: clinical testing. Allele origin: germline.
Comment: The p.E724D variant (also known as c.2172G>C), located in coding exon 14 of the PTCH1 gene, results from a G to C substitution at nucleotide position 2172. The glutamic acid at codon 724 is replaced by aspartic acid, an amino acid with highly similar properties. This amino acid position is well conserved in available vertebrate species. In addition, this alteration is predicted to be tolerated by in silico analysis. Since supporting evidence is limited at this time, the clinical significance of this alteration remains unclear.

Baylor Genetics
Classification: Uncertain significance for Basal cell carcinoma, susceptibility to, 1. Last evaluated: 2023-05-16. Review status: criteria provided, single submitter. Criteria: ACMG Guidelines, 2015. Collection method: clinical testing. Allele origin: unknown.